The following is an entry in ClinVar:

NM_000379.4(XDH):c.751C>T (p.Gln251Ter)

Gene: XDH (xanthine dehydrogenase; minus strand). Cytogenetic location: 2p23.1.
Variant type: single nucleotide variant.
Coding change: c.751C>T on transcript NM_000379.4 (MANE Select); coding-DNA position 751, C replaced by T.
Protein change: p.Gln251Ter; replaces glutamine 251 with a stop codon.
Molecular consequence: nonsense.
Genome position (GRCh38, 1-based): chr2:31,386,456, G>A on the plus strand (C>T on the coding strand, the complement: XDH is on the minus strand). VCF-style: chr2-31386456-G-A. GRCh37 (hg19) VCF-style: chr2-31609322-G-A.
Other names: short protein forms Q251*.
Identifiers: ClinVar variation 2415430 (VCV002415430.8), dbSNP rs1463907198, ClinGen allele CA346496487.

ClinVar aggregate classification (germline): Pathogenic/Likely pathogenic. Review status: criteria provided, multiple submitters, no conflicts (2 of 4 stars). 2 submissions from 2 submitters: Pathogenic (1); Likely pathogenic (1). Last evaluated 2023-02-15.

Conditions:
Xanthinuria type II. Also called: Xanthine dehydrogenase and aldehyde oxidase combined deficiency of; XDH and AOX dual deficiency. Identifiers: Orphanet 3467, Orphanet 93602, MedGen C1863688, MONDO:0011346, OMIM 603592.
Hereditary xanthinuria type 1 (XAN1). Identifiers: Orphanet 3467, Orphanet 93601, MedGen C0268118, MONDO:0010209, OMIM 278300.

Allele frequency attached by ClinVar (database versions not stated): gnomAD 0.00001; gnomAD exomes 0.00001.

Submissions (2):

Revvity Omics, Revvity
Classification: Likely pathogenic for Hereditary xanthinuria type 1. Last evaluated: 2023-02-15. Review status: criteria provided, single submitter. Criteria: ACMG Guidelines, 2015. Collection method: clinical testing. Allele origin: germline.

Labcorp Genetics (formerly Invitae), Labcorp
Classification: Pathogenic for Xanthinuria type II. Last evaluated: 2022-06-07. Review status: criteria provided, single submitter. Criteria: Invitae Variant Classification Sherloc (09022015). Collection method: clinical testing. Allele origin: germline.
Comment: This sequence change creates a premature translational stop signal (p.Gln251*) in the XDH gene. It is expected to result in an absent or disrupted protein product. Loss-of-function variants in XDH are known to be pathogenic (PMID: 9153281). This variant is present in population databases (no rsID available, gnomAD 0.003%). This variant has not been reported in the literature in individuals affected with XDH-related conditions. For these reasons, this variant has been classified as Pathogenic.

Literature cited by the submitters: PubMed 9153281 (cited by Labcorp Genetics (formerly Invitae), Labcorp).